The following is an entry in ClinVar:

NM_003072.5(SMARCA4):c.4476G>A (p.Lys1492=)

Gene: SMARCA4 (SWI/SNF related BAF chromatin remodeling complex subunit ATPase 4; plus strand). Cytogenetic location: 19p13.2.
Variant type: single nucleotide variant.
Coding change: c.4476G>A on transcript NM_003072.5 (MANE Select); coding-DNA position 4476, G replaced by A.
Protein change: p.Lys1492=; no amino-acid change (lysine 1492 retained).
Molecular consequence: synonymous variant. On other transcripts: non-coding transcript variant (1).
Genome position (GRCh38, 1-based): chr19:11,058,306, G>A. VCF-style: chr19-11058306-G-A. GRCh37 (hg19) VCF-style: chr19-11168982-G-A.
Other names: c.4476G>A, p.Lys1492= (NM_001128844.3); c.4386G>A, p.Lys1462= (NM_001128845.2); c.4383G>A, p.Lys1461= (NM_001128846.2); c.4377G>A, p.Lys1459= (NM_001128847.4, NM_001374457.1); c.4374G>A, p.Lys1458= (NM_001128848.2); c.4572G>A, p.Lys1524= (NM_001128849.3, NM_001387283.1); c.4473G>A, p.Lys1491= (NM_001411150.1).
Identifiers: ClinVar variation 3061066 (VCV003061066.2), dbSNP rs2147086535, ClinGen allele CA505494810.

ClinVar aggregate classification (germline): Likely benign (0 of 4 stars; one submission).

Conditions:
SMARCA4-related disorder. Also called: SMARCA4-related condition.

Allele frequency attached by ClinVar (database versions not stated): gnomAD exomes below 0.00001.
gnomAD v4.1: 1 of 1,613,694 alleles (0.000062%); highest among the groups gnomAD compares: Non-Finnish European, 0.000085%; no homozygotes.

Submission:

PreventionGenetics, part of Exact Sciences
Classification: Likely benign for SMARCA4-related condition. Last evaluated: 2024-02-22. Review status: no assertion criteria provided. Collection method: clinical testing. Allele origin: germline.
Comment: This variant is classified as likely benign based on ACMG/AMP sequence variant interpretation guidelines (Richards et al. 2015 PMID: 25741868, with internal and published modifications).